The following is an entry in ClinVar:

NM_021930.6(RINT1):c.840-3C>G

Gene: RINT1 (RAD50 interactor 1; plus strand). Cytogenetic location: 7q22.3.
Variant type: single nucleotide variant.
Coding change: c.840-3C>G on transcript NM_021930.6 (MANE Select); 3 bases into the intron before coding-DNA position 840, C replaced by G.
Molecular consequence: intron variant.
Genome position (GRCh38, 1-based): chr7:105,548,551, C>G. VCF-style: chr7-105548551-C-G. GRCh37 (hg19) VCF-style: chr7-105188998-C-G.
Other names: c.-180-3C>G (NM_001346600.2); c.-83-5C>G (NM_001346601.2); c.-27-1504C>G (NM_001346603.2); c.606-3C>G (NM_001346599.2).
Identifiers: ClinVar variation 1054799 (VCV001054799.12), dbSNP rs368353016, ClinGen allele CA4426550.

ClinVar aggregate classification (germline): Uncertain significance. Review status: criteria provided, multiple submitters, no conflicts (2 of 4 stars). 2 submissions from 2 submitters: Uncertain significance (2). Last evaluated 2024-07-24.

Allele frequency attached by ClinVar (database versions not stated): ExAC 0.00001; gnomAD exomes 0.00002 and 0.00003; TOPMed 0.00002; gnomAD 0.00003 and 0.00004; ESP Exome Variant Server 0.00008.
gnomAD v4.1: 48 of 1,613,730 alleles (0.003%); highest among the groups gnomAD compares: Non-Finnish European, 0.0036%; no homozygotes.

Submissions (2):

Ambry Genetics
Classification: Uncertain significance. Last evaluated: 2024-07-24. Review status: criteria provided, single submitter. Criteria: Ambry Variant Classification Scheme 2023. Collection method: clinical testing. Allele origin: germline.
Comment: The c.840-3C>G intronic variant results from a C to G substitution 3 nucleotides upstream from coding exon 7 in the RINT1 gene. This nucleotide position is well conserved in available vertebrate species. In silico splice site analysis predicts that this alteration will weaken the native splice acceptor site. The evidence for this gene-disease relationship is limited; therefore, the clinical significance of this alteration is unclear.

Labcorp Genetics (formerly Invitae), Labcorp
Classification: Uncertain significance. Last evaluated: 2024-04-29. Review status: criteria provided, single submitter. Criteria: Invitae Variant Classification Sherloc (09022015). Collection method: clinical testing. Allele origin: germline.
Comment: This sequence change falls in intron 6 of the RINT1 gene. It does not directly change the encoded amino acid sequence of the RINT1 protein. It affects a nucleotide within the consensus splice site. This variant is present in population databases (rs368353016, gnomAD 0.004%). This variant has not been reported in the literature in individuals affected with RINT1-related conditions. ClinVar contains an entry for this variant (Variation ID: 1054799). Variants that disrupt the consensus splice site are a relatively common cause of aberrant splicing (PMID: 17576681, 9536098). Algorithms developed to predict the effect of sequence changes on RNA splicing suggest that this variant may disrupt the consensus splice site. In summary, the available evidence is currently insufficient to determine the role of this variant in disease. Therefore, it has been classified as a Variant of Uncertain Significance.

Literature cited by the submitters: PubMed 17576681 (cited by Labcorp Genetics (formerly Invitae), Labcorp); PubMed 9536098 (cited by Labcorp Genetics (formerly Invitae), Labcorp).